The following is an entry in ClinVar:

ClinVar aggregate classification (germline): Conflicting classifications of pathogenicity. Review status: criteria provided, conflicting classifications (1 of 4 stars). 2 submissions from 2 submitters: Uncertain significance (1); Likely benign (1). Last evaluated 2024-09-20.

Conditions:
Fanconi-Bickel syndrome (FBS). Also called: Glycogen storage disease due to GLUT2 deficiency; FANCONI SYNDROME WITH INTESTINAL MALABSORPTION AND GALACTOSE INTOLERANCE; HEPATIC GLYCOGENOSIS WITH AMINO ACIDURIA AND GLUCOSURIA; HEPATIC GLYCOGENOSIS WITH FANCONI NEPHROPATHY; HEPATORENAL GLYCOGENOSIS WITH RENAL FANCONI SYNDROME; PSEUDO-PHLORIZIN DIABETES. Identifiers: Orphanet 2088, MedGen C3495427, MONDO:0009216, OMIM 227810.

Allele frequency attached by ClinVar (database versions not stated): TOPMed 0.00002.
gnomAD v4.1: 59 of 1,067,634 alleles (0.0055%); highest among the groups gnomAD compares: East Asian, 0.14%; no homozygotes.

Submissions (2):

3billion
Classification: Likely benign for Fanconi-Bickel syndrome. Last evaluated: 2024-09-20. Review status: criteria provided, single submitter. Criteria: ACMG Guidelines, 2015. Collection method: clinical testing. Allele origin: germline. Affected: no.
Comment: The homozygous variant was found in patients diagnosed with another variant in a different gene, with no symptoms related to the gene containing the homozygous variant.

Illumina Laboratory Services, Illumina
Classification: Uncertain significance for Fanconi-Bickel syndrome. Last evaluated: 2018-01-12. Review status: criteria provided, single submitter. Criteria: ICSL Variant Classification Criteria 13 December 2019. Collection method: clinical testing. Allele origin: germline.

NM_000340.2(SLC2A2):c.*83A>T

Gene: SLC2A2 (solute carrier family 2 member 2; minus strand). Cytogenetic location: 3q26.2.
Variant type: single nucleotide variant.
Coding change: c.*83A>T on transcript NM_000340.2 (MANE Select); 83 bases downstream of the stop codon, A replaced by T.
Molecular consequence: 3 prime UTR variant.
Genome position (GRCh38, 1-based): chr3:170,997,820, T>A on the plus strand (A>T on the coding strand, the complement: SLC2A2 is on the minus strand). VCF-style: chr3-170997820-T-A. GRCh37 (hg19) VCF-style: chr3-170715609-T-A.
Other names: c.*83A>T (NM_001278658.2, NM_001278659.2).
Identifiers: ClinVar variation 901187 (VCV000901187.5), dbSNP rs993283861, ClinGen allele CA902467329.
Genomic context (GRCh38, chr3:170,997,820, plus strand): 5'-ATATTTGATGACATTTCTGATGAGAGCACATAAAAATAAAACAATACTTAAAGATGTGGA[T>A]ATAAAATGCTCAAGGAATCATCATTTAAAAACAGACGGTTCCCTTATTGTTTCTGTTCAT-3'